The following is an entry in ClinVar:

NM_001042492.3(NF1):c.5480T>A (p.Ile1827Asn)

Gene: NF1 (neurofibromin 1; plus strand). Cytogenetic location: 17q11.2.
Variant type: single nucleotide variant.
Coding change: c.5480T>A on transcript NM_001042492.3 (MANE Select); coding-DNA position 5480, T replaced by A.
Protein change: p.Ile1827Asn; replaces isoleucine 1827 with asparagine.
Molecular consequence: missense variant.
Genome position (GRCh38, 1-based): chr17:31,327,710, T>A. VCF-style: chr17-31327710-T-A. GRCh37 (hg19) VCF-style: chr17-29654728-T-A.
Other names: c.5417T>A, p.Ile1806Asn (NM_000267.4); short protein forms I1806N, I1827N.
Identifiers: ClinVar variation 3879143 (VCV003879143.1).

ClinVar aggregate classification (germline): Uncertain significance (1 of 4 stars; one submission).

Conditions:
Cardiovascular phenotype. Identifiers: MedGen CN230736.
Hereditary cancer-predisposing syndrome. Also called: Tumor predisposition; Neoplastic Syndromes, Hereditary; Hereditary Cancer Syndrome; Hereditary neoplastic syndrome. Identifiers: Orphanet 140162, MedGen C0027672, MeSH D009386, MONDO:0015356.

Submission:

Ambry Genetics
Classification: Uncertain significance for Cardiovascular phenotype; Hereditary cancer-predisposing syndrome. Last evaluated: 2025-03-03. Review status: criteria provided, single submitter. Criteria: Ambry Variant Classification Scheme 2023. Collection method: clinical testing. Allele origin: germline.
Comment: The p.I1806N variant (also known as c.5417T>A), located in coding exon 37 of the NF1 gene, results from a T to A substitution at nucleotide position 5417. The isoleucine at codon 1806 is replaced by asparagine, an amino acid with dissimilar properties. This amino acid position is conserved. In addition, this alteration is predicted to be deleterious by in silico analysis. Based on the available evidence, the clinical significance of this variant remains unclear.